The following is an entry in ClinVar:

ClinVar aggregate classification (germline): Uncertain significance (0 of 4 stars; one submission).

Conditions:
Fanconi anemia complementation group G. Also called: FANCG-Related Fanconi Anemia; Fanconi anemia group G. Identifiers: Orphanet 84, MedGen C3469527, MONDO:0013565, OMIM 614082.

Submission:

Leiden Open Variation Database
Classification: Uncertain significance for Fanconi anemia complementation group G. Last evaluated: 2020-02-28. Review status: no assertion criteria provided. Collection method: curation. Allele origin: germline. Affected: yes.
Comment: Curator: Arleen D. Auerbach. Submitter to LOVD: Arleen D. Auerbach.

Literature cited by the submitters: PubMed 24300640.

NM_004629.2(FANCG):c.899del (p.Leu300fs)

Gene: FANCG (FA complementation group G; minus strand). Cytogenetic location: 9p13.3.
Variant type: Deletion.
Coding change: c.899del on transcript NM_004629.2 (MANE Select); coding-DNA position 899, one base deleted (T; older notation c.899delT).
Protein change: p.Leu300fs; shifts the reading frame from leucine 300.
Molecular consequence: frameshift variant.
Genome position (GRCh38, 1-based): chr9:35,076,749, A deleted on the plus strand (T on the coding strand, the reverse complement: FANCG is on the minus strand). VCF-style (leftmost placement, unchanged base first): chr9-35076748-CA-C. GRCh37 (hg19) VCF-style: chr9-35076745-CA-C.
Other names: short protein forms L300fs.
Identifiers: ClinVar variation 929689 (VCV000929689.1), dbSNP rs1829092191, ClinGen allele CA1139660970.